The following is an entry in ClinVar:

ClinVar aggregate classification (germline): Uncertain significance. Review status: criteria provided, multiple submitters, no conflicts (2 of 4 stars). 2 submissions from 2 submitters: Uncertain significance (2). Last evaluated 2025-10-14.

Conditions:
Inborn genetic diseases. Identifiers: MedGen C0950123, MeSH D030342.

Allele frequency attached by ClinVar (database versions not stated): 1000 Genomes Project 30x 0.00031.
gnomAD v4.1: 13 of 1,614,156 alleles (0.00081%); highest among the groups gnomAD compares: Admixed American, 0.013%; no homozygotes.

Submissions (2):

Labcorp Genetics (formerly Invitae), Labcorp
Classification: Uncertain significance. Last evaluated: 2025-10-14. Review status: criteria provided, single submitter. Criteria: Invitae Variant Classification Sherloc (09022015). Collection method: clinical testing. Allele origin: germline.
Comment: This sequence change replaces arginine, which is basic and polar, with leucine, which is neutral and non-polar, at codon 36 of the FLNB protein (p.Arg36Leu). This variant is present in population databases (rs142568031, gnomAD 0.003%). This variant has not been reported in the literature in individuals affected with FLNB-related conditions. ClinVar contains an entry for this variant (Variation ID: 1385388). Invitae Evidence Modeling of protein sequence and biophysical properties (such as structural, functional, and spatial information, amino acid conservation, physicochemical variation, residue mobility, and thermodynamic stability) indicates that this missense variant is not expected to disrupt FLNB protein function with a negative predictive value of 95%. In summary, the available evidence is currently insufficient to determine the role of this variant in disease. Therefore, it has been classified as a Variant of Uncertain Significance.

Ambry Genetics
Classification: Uncertain significance for Inborn genetic diseases. Last evaluated: 2025-08-25. Review status: criteria provided, single submitter. Criteria: Ambry Variant Classification Scheme 2023. Collection method: clinical testing. Allele origin: germline.

NM_001457.4(FLNB):c.107G>T (p.Arg36Leu)

Gene: FLNB (filamin B; plus strand). Cytogenetic location: 3p14.3.
Variant type: single nucleotide variant.
Coding change: c.107G>T on transcript NM_001457.4 (MANE Select); coding-DNA position 107, G replaced by T.
Protein change: p.Arg36Leu; replaces arginine 36 with leucine.
Molecular consequence: missense variant.
Genome position (GRCh38, 1-based): chr3:58,008,671, G>T. VCF-style: chr3-58008671-G-T. GRCh37 (hg19) VCF-style: chr3-57994398-G-T.
Other names: c.107G>T, p.Arg36Leu (NM_001164317.2, NM_001164318.2, NM_001164319.2); c.107G>T (NM_001457.3); short protein forms R36L.
Identifiers: ClinVar variation 1385388 (VCV001385388.10), dbSNP rs142568031, ClinGen allele CA2467455.